The following is an entry in ClinVar:

NM_002693.3(POLG):c.563C>G (p.Ala188Gly)

Genes: POLG (DNA polymerase gamma, catalytic subunit; minus strand), POLGARF (POLG alternative reading frame; minus strand). Cytogenetic location: 15q26.1.
Variant type: single nucleotide variant.
Coding change: c.563C>G on transcript NM_002693.3 (MANE Select); coding-DNA position 563, C replaced by G.
Protein change: p.Ala188Gly; replaces alanine 188 with glycine.
Molecular consequence: missense variant.
Genome position (GRCh38, 1-based): chr15:89,333,192, G>C on the plus strand (C>G on the coding strand, the complement: POLG is on the minus strand). VCF-style: chr15-89333192-G-C. GRCh37 (hg19) VCF-style: chr15-89876423-G-C.
Other names: c.563C>G, p.Ala188Gly (NM_001126131.2); short protein forms A188G.
Identifiers: ClinVar variation 2811796 (VCV002811796.3), dbSNP rs531422315, ClinGen allele CA393770797.
Genomic context (GRCh38, chr15:89,333,192, plus strand): 5'-CAAGTTCCCTCTGCCAAGCAGACCTCCACGTCGAACACCAGGGCCCGCTCCTCGGGGATG[G>C]CCACGGGTACGGCCTCCCCCTCGGGGCCGTACCGGGTCCAGCCCTCCGCCCAGGCCCAAG-3'
Protein context (NP_002684.1, residues 178-198): YGPEGEAVPV[Ala188Gly]IPEERALVFD

ClinVar aggregate classification (germline): Uncertain significance (1 of 4 stars; one submission).

Conditions:
Progressive sclerosing poliodystrophy (MTDPS4A). Also called: ALPERS PROGRESSIVE INFANTILE POLIODYSTROPHY; NEURONAL DEGENERATION OF CHILDHOOD WITH LIVER DISEASE, PROGRESSIVE; Alpers Syndrome; ALPERS DIFFUSE DEGENERATION OF CEREBRAL GRAY MATTER WITH HEPATIC CIRRHOSIS; Alpers-Huttenlocher Syndrome; Mitochondrial DNA Depletion Syndrome 4A. Identifiers: Orphanet 726, MedGen C0205710, MONDO:0008758, OMIM 203700.

Submission:

Labcorp Genetics (formerly Invitae), Labcorp
Classification: Uncertain significance for Progressive sclerosing poliodystrophy. Last evaluated: 2022-11-03. Review status: criteria provided, single submitter. Criteria: Invitae Variant Classification Sherloc (09022015). Collection method: clinical testing. Allele origin: germline.
Comment: This sequence change replaces alanine, which is neutral and non-polar, with glycine, which is neutral and non-polar, at codon 188 of the POLG protein (p.Ala188Gly). This variant is not present in population databases (gnomAD no frequency). This variant has not been reported in the literature in individuals affected with POLG-related conditions. Advanced modeling of protein sequence and biophysical properties (such as structural, functional, and spatial information, amino acid conservation, physicochemical variation, residue mobility, and thermodynamic stability) performed at Invitae indicates that this missense variant is not expected to disrupt POLG protein function. In summary, the available evidence is currently insufficient to determine the role of this variant in disease. Therefore, it has been classified as a Variant of Uncertain Significance.